The following is an entry in ClinVar:

NM_007055.4(POLR3A):c.3071+1G>A

Gene: POLR3A (RNA polymerase III subunit A; minus strand). Cytogenetic location: 10q22.3.
Variant type: single nucleotide variant.
Coding change: c.3071+1G>A on transcript NM_007055.4 (MANE Select); the canonical splice donor site of the intron after coding-DNA position 3071, G replaced by A.
Molecular consequence: splice donor variant.
Genome position (GRCh38, 1-based): chr10:77,985,902, C>T on the plus strand (G>A on the coding strand, the complement: POLR3A is on the minus strand). VCF-style: chr10-77985902-C-T. GRCh37 (hg19) VCF-style: chr10-79745660-C-T.
Identifiers: ClinVar variation 4726773 (VCV004726773.1).

ClinVar aggregate classification (germline): Likely pathogenic (1 of 4 stars; one submission).

Submission:

Labcorp Genetics (formerly Invitae), Labcorp
Classification: Likely pathogenic. Last evaluated: 2025-09-07. Review status: criteria provided, single submitter. Criteria: Invitae Variant Classification Sherloc (09022015). Collection method: clinical testing. Allele origin: germline.
Comment: This sequence change affects a donor splice site in intron 23 of the POLR3A gene. It is expected to disrupt RNA splicing. Variants that disrupt the donor or acceptor splice site typically lead to a loss of protein function (PMID: 16199547), and loss-of-function variants in POLR3A are known to be pathogenic (PMID: 21855841, 25339210, 27612211, 30414627, 30450527). This variant is not present in population databases (gnomAD no frequency). This variant has not been reported in the literature in individuals affected with POLR3A-related conditions. Algorithms developed to predict the effect of sequence changes on RNA splicing suggest that this variant may disrupt the consensus splice site. In summary, the currently available evidence indicates that the variant is pathogenic, but additional data are needed to prove that conclusively. Therefore, this variant has been classified as Likely Pathogenic.

Literature cited by the submitters: PubMed 16199547; PubMed 21855841; PubMed 25339210; PubMed 27612211; PubMed 30414627; PubMed 30450527.